The following is an entry in ClinVar:

NM_005045.4(RELN):c.10108A>G (p.Thr3370Ala)

Genes: RELN (reelin; minus strand), SLC26A5-AS1 (SLC26A5 antisense RNA 1; plus strand). Cytogenetic location: 7q22.1.
Variant type: single nucleotide variant.
Coding change: c.10108A>G on transcript NM_005045.4 (MANE Select); coding-DNA position 10108, A replaced by G.
Protein change: p.Thr3370Ala; replaces threonine 3370 with alanine.
Molecular consequence: missense variant.
Genome position (GRCh38, 1-based): chr7:103,483,726, T>C on the plus strand (A>G on the coding strand, the complement: RELN is on the minus strand). VCF-style: chr7-103483726-T-C. GRCh37 (hg19) VCF-style: chr7-103124173-T-C.
Other names: c.10108A>G, p.Thr3370Ala (NM_173054.3); short protein forms T3370A.
Identifiers: ClinVar variation 475944 (VCV000475944.12), dbSNP rs570807790, ClinGen allele CA4420050.
Genomic context (GRCh38, chr7:103,483,726, plus strand): 5'-AAGACACTCTCTGAGCTTGTGTGAAGTCCTTTGGCTGGTGCTGGGCGATGACATGCCAGG[T>C]GATCCCGTTGTTGACGCTGTATTGCAGCAGCACTGCCTTGTCCACAGCGTGGGGGCCACT-3'
Protein context (NP_005036.2, residues 3360-3380): LLQYSVNNGI[Thr3370Ala]WHVIAQHQPK

ClinVar aggregate classification (germline): Likely benign. Review status: criteria provided, multiple submitters, no conflicts (2 of 4 stars). 2 submissions from 2 submitters: Likely benign (2). Last evaluated 2025-11-12.

Conditions:
Norman-Roberts syndrome (LIS2). Also called: Lissencephaly 2 (Norman-Roberts type). Identifiers: Orphanet 89844, MedGen C0796089, MONDO:0009760, OMIM 257320.
Familial temporal lobe epilepsy 7. Identifiers: Orphanet 101046, MedGen C4225327, MONDO:0014639, OMIM 616436.

Allele frequency attached by ClinVar (database versions not stated): gnomAD exomes 0.00006 and 0.00032; gnomAD 0.00009; TOPMed 0.00012; 1000 Genomes Project 30x 0.00016; 1000 Genomes Project 0.00020; ExAC 0.00028.
gnomAD v4.1: 98 of 1,614,192 alleles (0.0061%); highest among the groups gnomAD compares: East Asian, 0.21%; no homozygotes.

Submissions (2):

Labcorp Genetics (formerly Invitae), Labcorp
Classification: Likely benign for Familial temporal lobe epilepsy 7; Norman-Roberts syndrome. Last evaluated: 2025-11-12. Review status: criteria provided, single submitter. Criteria: Invitae Variant Classification Sherloc (09022015). Collection method: clinical testing. Allele origin: germline.

GeneDx
Classification: Likely benign. Last evaluated: 2018-03-19. Review status: criteria provided, single submitter. Criteria: GeneDx Variant Classification (06012015). Collection method: clinical testing. Allele origin: germline. Affected: yes.
Comment: This variant is considered likely benign or benign based on one or more of the following criteria: it is a conservative change, it occurs at a poorly conserved position in the protein, it is predicted to be benign by multiple in silico algorithms, and/or has population frequency not consistent with disease.